The following is an entry in ClinVar:

ClinVar aggregate classification (germline): Benign/Likely benign. Review status: criteria provided, multiple submitters, no conflicts (2 of 4 stars). 5 submissions from 5 submitters: Benign (1); Likely benign (3). 1 of the submissions does not count toward it. Last evaluated 2026-01-27.

Conditions:
Paroxysmal nonkinesigenic dyskinesia. Also called: Paroxysmal non-kinesigenic dyskinesia. Identifiers: Orphanet 98810, MedGen C1869117, MONDO:0700088.
PNKD-related disorder. Also called: PNKD-related condition.

Submissions (5):

Labcorp Genetics (formerly Invitae), Labcorp
Classification: Likely benign for Paroxysmal nonkinesigenic dyskinesia. Last evaluated: 2026-01-27. Review status: criteria provided, single submitter. Criteria: Invitae Variant Classification Sherloc (09022015). Collection method: clinical testing. Allele origin: germline.

CeGaT Center for Human Genetics Tuebingen
Classification: Likely benign. Last evaluated: 2024-11-01. Review status: criteria provided, single submitter. Criteria: CeGaT Center For Human Genetics Tuebingen Variant Classification Criteria Version 2. Collection method: clinical testing. Allele origin: germline. Affected: yes. Observed: 1 variant allele.
Comment: PNKD: BS1

Blueprint Genetics
Classification: Likely benign. Last evaluated: 2024-08-29. Review status: criteria provided, single submitter. Criteria: ACMG Guidelines, 2015. Collection method: clinical testing. Allele origin: germline.

GeneDx
Classification: Benign. Last evaluated: 2021-01-15. Review status: criteria provided, single submitter. Criteria: GeneDx Variant Classification Process June 2021. Collection method: clinical testing. Allele origin: germline. Affected: yes.
Comment: This variant is associated with the following publications: (PMID: 33126486)

PreventionGenetics, part of Exact Sciences
Classification: Likely benign for PNKD-related condition. Last evaluated: 2020-02-11. Review status: no assertion criteria provided. Collection method: clinical testing. Allele origin: germline. Not counted in ClinVar's aggregate classification.
Comment: This variant is classified as likely benign based on ACMG/AMP sequence variant interpretation guidelines (Richards et al. 2015 PMID: 25741868, with internal and published modifications).

NM_015488.5(PNKD):c.1140_1145del (p.Met381_His382del)

Genes: CATIP-AS2 (CATIP antisense RNA 2; minus strand), PNKD (PNKD metallo-beta-lactamase domain containing; plus strand). Cytogenetic location: 2q35.
Variant type: Deletion.
Coding change: c.1140_1145del on transcript NM_015488.5 (MANE Select); coding-DNA positions 1140 to 1145, 6 bases deleted (TATGCA; older notation c.1140_1145delTATGCA).
Protein change: p.Met381_His382del.
Molecular consequence: inframe deletion. On other transcripts: inframe indel (1).
Genome position (GRCh38, 1-based): chr2:218,344,963-218,344,968, TATGCA deleted; deleting any 6 consecutive bases within chr2:218,344,962-218,344,968 gives the same sequence; the c. name uses the placement nearest the transcript's 3' end. VCF-style (leftmost placement, unchanged base first): chr2-218344961-GATATGC-G. GRCh37 (hg19) VCF-style: chr2-219209684-GATATGC-G.
Other names: c.1140_1145del (NM_015488.4); c.1068_1073delTATGCA, p.Met357_His358del (NM_022572.5).
Identifiers: ClinVar variation 334329 (VCV000334329.34), dbSNP rs576363906, ClinGen allele CA2104216.